The following is an entry in ClinVar:

NM_012330.4(KAT6B):c.392A>G (p.Lys131Arg)

Gene: KAT6B (lysine acetyltransferase 6B; plus strand). Cytogenetic location: 10q22.2.
Variant type: single nucleotide variant.
Coding change: c.392A>G on transcript NM_012330.4 (MANE Select); coding-DNA position 392, A replaced by G.
Protein change: p.Lys131Arg; replaces lysine 131 with arginine.
Molecular consequence: missense variant. On other transcripts: 5 prime UTR variant (2).
Genome position (GRCh38, 1-based): chr10:74,843,249, A>G. VCF-style: chr10-74843249-A-G. GRCh37 (hg19) VCF-style: chr10-76603007-A-G.
Other names: c.392A>G, p.Lys131Arg (NM_001256468.2, NM_001256469.2, NM_001370132.1 and 10 more transcripts); c.-147A>G (NM_001370134.1, NM_001370135.1); short protein forms K131R.
Identifiers: ClinVar variation 3042493 (VCV003042493.2), dbSNP rs2548335441, ClinGen allele CA377399936.

ClinVar aggregate classification (germline): Uncertain significance (0 of 4 stars; one submission).

Conditions:
KAT6B-related disorder. Also called: KAT6B-related disorders; KAT6B-related condition.

Allele frequency attached by ClinVar (database versions not stated): gnomAD exomes below 0.00001.
gnomAD v4.1: 1 of 1,614,222 alleles (0.000062%); highest among the groups gnomAD compares: African/African-American, 0.0013%; no homozygotes.

Submission:

PreventionGenetics, part of Exact Sciences
Classification: Uncertain significance for KAT6B-related condition. Last evaluated: 2023-12-09. Review status: no assertion criteria provided. Collection method: clinical testing. Allele origin: germline.
Comment: The KAT6B c.392A>G variant is predicted to result in the amino acid substitution p.Lys131Arg. To our knowledge, this variant has not been reported in the literature or in a large population database, indicating this variant is rare. Although we suspect that this variant may be pathogenic, at this time, the clinical significance of this variant is uncertain due to the absence of conclusive functional and genetic evidence.